The following is an entry in ClinVar:

NM_152743.4(BRAT1):c.1371_1395+16del

Gene: BRAT1 (BRCA1 associated ATM activator 1; minus strand). Cytogenetic location: 7p22.3.
Variant type: Deletion.
Coding change: c.1371_1395+16del on transcript NM_152743.4 (MANE Select); coding-DNA position 1371 through 16 bases into the intron after coding-DNA position 1395, 41 bases deleted.
Molecular consequence: splice donor variant.
Genome position (GRCh38, 1-based): chr7:2,540,963-2,541,003, 41 bases deleted; deleting any 41 consecutive bases within chr7:2,540,963-2,541,004 gives the same sequence; the c. name uses the placement nearest the transcript's 3' end. GRCh37 (hg19): chr7:2,580,598-2,580,638.
Other names: c.1371_1395+16delCGAGAGCCCCGGCTCCAGCCCCACGGTACGGTGGTGGGGAT (NM_152743.3); c.846_870+16del (NM_001350627.2); c.1371_1395+16del (NM_001350626.2).
Identifiers: ClinVar variation 654304 (VCV000654304.10), dbSNP rs1224820591, ClinGen allele CA572176221.

ClinVar aggregate classification (germline): Pathogenic/Likely pathogenic. Review status: criteria provided, multiple submitters, no conflicts (2 of 4 stars). 3 submissions from 3 submitters: Pathogenic (1); Likely pathogenic (2). Last evaluated 2025-03-22.

Conditions:
Neonatal-onset encephalopathy with rigidity and seizures. Also called: Lethal neonatal spasticity-epileptic encephalopathy syndrome. Identifiers: Orphanet 435845, MedGen C3281029, MONDO:0013784, OMIM 614498.

Submissions (3):

GeneDx
Classification: Likely pathogenic. Last evaluated: 2025-03-22. Review status: criteria provided, single submitter. Criteria: GeneDx Variant Classification Process June 2021. Collection method: clinical testing. Allele origin: germline. Affected: yes.
Comment: Canonical splice site variant predicted to result in a null allele in a gene for which loss-of-function is a known mechanism of disease; Not observed at significant frequency in large population cohorts (gnomAD); Has not been previously published as pathogenic or benign to our knowledge

Labcorp Genetics (formerly Invitae), Labcorp
Classification: Likely pathogenic for Neonatal-onset encephalopathy with rigidity and seizures. Last evaluated: 2025-02-11. Review status: criteria provided, single submitter. Criteria: Invitae Variant Classification Sherloc (09022015). Collection method: clinical testing. Allele origin: germline.
Comment: This variant results in the deletion of part of exon 10 (c.1371_1395+16del) of the BRAT1 gene. It is expected to disrupt RNA splicing. Variants that disrupt the donor or acceptor splice site typically lead to a loss of protein function (PMID: 16199547), and loss-of-function variants in BRAT1 are known to be pathogenic (PMID: 22279524, 25500575). This variant is present in population databases (no rsID available, gnomAD 0.006%). This variant has not been reported in the literature in individuals affected with BRAT1-related conditions. ClinVar contains an entry for this variant (Variation ID: 654304). In summary, the currently available evidence indicates that the variant is pathogenic, but additional data are needed to prove that conclusively. Therefore, this variant has been classified as Likely Pathogenic.

Dasa
Classification: Pathogenic for Neonatal-onset encephalopathy with rigidity and seizures. Last evaluated: 2021-09-02. Review status: criteria provided, single submitter. Criteria: ACMG Guidelines, 2015. Collection method: clinical testing. Allele origin: germline. Affected: yes. Observed: 1 variant allele.
Comment: The c.1371_1395+16del is a null frameshift variant in the canonical splice sites of the BRAT1 gene, and corresponds to a deletion of 41 base pairs - PVS1; this variant is not present in population databases (rs1224820591, gnomAD; ABraOM no frequency); ClinVar contains an entry for this variant (ClinVar ID: 654304); For these reasons, this variant was classified as pathogenic.

Literature cited by the submitters: PubMed 16199547 (cited by Labcorp Genetics (formerly Invitae), Labcorp); PubMed 22279524 (cited by Labcorp Genetics (formerly Invitae), Labcorp); PubMed 25500575 (cited by Labcorp Genetics (formerly Invitae), Labcorp).